The following is an entry in ClinVar:

NM_001164508.2(NEB):c.17842G>A (p.Glu5948Lys)

Gene: NEB (nebulin; minus strand). Cytogenetic location: 2q23.3.
Variant type: single nucleotide variant.
Coding change: c.17842G>A on transcript NM_001164508.2 (MANE Select); coding-DNA position 17842, G replaced by A.
Protein change: p.Glu5948Lys; replaces glutamic acid 5948 with lysine.
Molecular consequence: missense variant.
Genome position (GRCh38, 1-based): chr2:151,568,073, C>T on the plus strand (G>A on the coding strand, the complement: NEB is on the minus strand). VCF-style: chr2-151568073-C-T. GRCh37 (hg19) VCF-style: chr2-152424587-C-T.
Other names: c.17842G>A, p.Glu5948Lys (NM_001164507.2, NM_001271208.2); c.12739G>A, p.Glu4247Lys (NM_004543.5); short protein forms E5948K, E4247K.
Identifiers: ClinVar variation 1999098 (VCV001999098.1), dbSNP rs2552194182, ClinGen allele CA348804591.

ClinVar aggregate classification (germline): Uncertain significance (1 of 4 stars; one submission).

Conditions:
Nemaline myopathy 2 (NEM2). Also called: Nemaline myopathy 2, autosomal recessive. Identifiers: MedGen C1850569, MONDO:0009725, OMIM 256030.

Submission:

Labcorp Genetics (formerly Invitae), Labcorp
Classification: Uncertain significance for Nemaline myopathy 2. Last evaluated: 2022-05-26. Review status: criteria provided, single submitter. Criteria: Invitae Variant Classification Sherloc (09022015). Collection method: clinical testing. Allele origin: germline.
Comment: This sequence change replaces glutamic acid, which is acidic and polar, with lysine, which is basic and polar, at codon 5948 of the NEB protein (p.Glu5948Lys). This variant is not present in population databases (gnomAD no frequency). This variant has not been reported in the literature in individuals affected with NEB-related conditions. Algorithms developed to predict the effect of missense changes on protein structure and function are either unavailable or do not agree on the potential impact of this missense change (SIFT: "Deleterious"; PolyPhen-2: "Not Available"; Align-GVGD: "Class C0"). Algorithms developed to predict the effect of sequence changes on RNA splicing suggest that this variant may create or strengthen a splice site. In summary, the available evidence is currently insufficient to determine the role of this variant in disease. Therefore, it has been classified as a Variant of Uncertain Significance.